The following is an entry in ClinVar:

ClinVar aggregate classification (germline): Pathogenic/Likely pathogenic. Review status: criteria provided, multiple submitters, no conflicts (2 of 4 stars). 3 submissions from 2 submitters: Pathogenic (2); Likely pathogenic (1). Last evaluated 2023-08-31.

Conditions:
Ataxia-telangiectasia-like disorder (ATLD). Identifiers: MedGen C1858391, MONDO:0011457.
Hereditary cancer-predisposing syndrome. Also called: Hereditary Cancer Syndrome; Hereditary neoplastic syndrome; Neoplastic Syndromes, Hereditary; Tumor predisposition. Identifiers: Orphanet 140162, MedGen C0027672, MeSH D009386, MONDO:0015356.
Ataxia-telangiectasia-like disorder 1 (ATLD1). Identifiers: Orphanet 251347, MedGen C4012790, MONDO:0024557, OMIM 604391.

Submissions (3):

Baylor Genetics
Classification: Likely pathogenic for Ataxia-telangiectasia-like disorder 1. Last evaluated: 2023-08-31. Review status: criteria provided, single submitter. Criteria: ACMG Guidelines, 2015. Collection method: clinical testing. Allele origin: unknown.

Labcorp Genetics (formerly Invitae), Labcorp
Classification: Pathogenic for Hereditary cancer-predisposing syndrome. Last evaluated: 2015-06-13. Review status: criteria provided, single submitter. Criteria: Invitae Variant Classification Sherloc (09022015). Collection method: clinical testing. Allele origin: germline.
Comment: This sequence change deletes 1 nucleotide from exon 13 of the MRE11A mRNA (c.1441delA), causing a frameshift at codon 481. This creates a premature translational stop signal (p.Thr481Hisfs*43) and is expected to result in an absent or disrupted protein product. While this particular variant has not been reported in the literature, truncating variants in MRE11A are known to be pathogenic (PMID: 10612394, 11371508). For these reasons, this variant has been classified as Pathogenic.

Labcorp Genetics (formerly Invitae), Labcorp
Classification: Pathogenic for Ataxia-telangiectasia-like disorder. Last evaluated: 2015-06-13. Review status: criteria provided, single submitter. Criteria: Invitae Variant Classification Sherloc (09022015). Collection method: clinical testing. Allele origin: germline.
Comment: For these reasons, this variant has been classified as Pathogenic. While this particular variant has not been reported in the literature, truncating variants in MRE11A are known to be pathogenic (PMID: 10612394, 11371508). This sequence change deletes 1 nucleotide from exon 13 of the MRE11A mRNA (c.1441delA), causing a frameshift at codon 481. This creates a premature translational stop signal (p.Thr481Hisfs*43) and is expected to result in an absent or disrupted protein product.

Literature cited by the submitters: PubMed 10612394 (cited by Labcorp Genetics (formerly Invitae), Labcorp); PubMed 11371508 (cited by Labcorp Genetics (formerly Invitae), Labcorp).

NM_005591.4(MRE11):c.1441del (p.Thr481fs)

Gene: MRE11 (MRE11 double strand break repair nuclease; minus strand). Cytogenetic location: 11q21.
Variant type: Deletion.
Coding change: c.1441del on transcript NM_005591.4 (MANE Select); coding-DNA position 1441, one base deleted (A; older notation c.1441delA).
Protein change: p.Thr481fs; shifts the reading frame from threonine 481.
Molecular consequence: frameshift variant.
Genome position (GRCh38, 1-based): chr11:94,459,467, T deleted on the plus strand (A on the coding strand, the reverse complement: MRE11 is on the minus strand); the first of 6 consecutive T bases (chr11:94,459,467-94,459,472); deleting any one gives the same sequence. VCF-style (leftmost placement, unchanged base first): chr11-94459466-GT-G. GRCh37 (hg19) VCF-style: chr11-94192632-GT-G.
Other names: c.1441del, p.Thr481fs (NM_005590.4, NM_001330347.2); c.1441delA (NM_005591.3); short protein forms T481fs.
Identifiers: ClinVar variation 216095 (VCV000216095.11), dbSNP rs747832587, ClinGen allele CA338472.